The following is an entry in ClinVar:

NM_001083961.2(WDR62):c.3587C>T (p.Thr1196Met)

Gene: WDR62 (WD repeat domain 62; plus strand). Cytogenetic location: 19q13.12.
Variant type: single nucleotide variant.
Coding change: c.3587C>T on transcript NM_001083961.2 (MANE Select); coding-DNA position 3587, C replaced by T.
Protein change: p.Thr1196Met; replaces threonine 1196 with methionine.
Molecular consequence: missense variant.
Genome position (GRCh38, 1-based): chr19:36,103,415, C>T. VCF-style: chr19-36103415-C-T. GRCh37 (hg19) VCF-style: chr19-36594317-C-T.
Other names: c.3572C>T, p.Thr1191Met (NM_173636.5); short protein forms T1191M, T1196M.
Identifiers: ClinVar variation 955204 (VCV000955204.8), dbSNP rs746924402, ClinGen allele CA9396344.

ClinVar aggregate classification (germline): Uncertain significance (1 of 4 stars; one submission).

Allele frequency attached by ClinVar (database versions not stated): ExAC 0.00002; gnomAD exomes 0.00004; TOPMed 0.00014.
gnomAD v4.1: 38 of 1,614,026 alleles (0.0024%); highest among the groups gnomAD compares: Middle Eastern, 0.066%; no homozygotes.

Submission:

Labcorp Genetics (formerly Invitae), Labcorp
Classification: Uncertain significance. Last evaluated: 2022-10-17. Review status: criteria provided, single submitter. Criteria: Invitae Variant Classification Sherloc (09022015). Collection method: clinical testing. Allele origin: germline.
Comment: This variant is present in population databases (rs746924402, gnomAD 0.01%). This sequence change replaces threonine, which is neutral and polar, with methionine, which is neutral and non-polar, at codon 1196 of the WDR62 protein (p.Thr1196Met). This variant has not been reported in the literature in individuals affected with WDR62-related conditions. ClinVar contains an entry for this variant (Variation ID: 955204). Advanced modeling of protein sequence and biophysical properties (such as structural, functional, and spatial information, amino acid conservation, physicochemical variation, residue mobility, and thermodynamic stability) has been performed at Invitae for this missense variant, however the output from this modeling did not meet the statistical confidence thresholds required to predict the impact of this variant on WDR62 protein function. In summary, the available evidence is currently insufficient to determine the role of this variant in disease. Therefore, it has been classified as a Variant of Uncertain Significance.